The following is an entry in ClinVar:

NM_006206.6(PDGFRA):c.1985G>C (p.Gly662Ala)

Gene: PDGFRA (platelet derived growth factor receptor alpha; plus strand). Cytogenetic location: 4q12.
Variant type: single nucleotide variant.
Coding change: c.1985G>C on transcript NM_006206.6 (MANE Select); coding-DNA position 1985, G replaced by C.
Protein change: p.Gly662Ala; replaces glycine 662 with alanine.
Molecular consequence: missense variant.
Genome position (GRCh38, 1-based): chr4:54,277,989, G>C. VCF-style: chr4-54277989-G-C. GRCh37 (hg19) VCF-style: chr4-55144156-G-C.
Other names: c.1985G>C, p.Gly662Ala (NM_001347827.2, NM_001347829.2); c.2060G>C, p.Gly687Ala (NM_001347828.2); c.2024G>C, p.Gly675Ala (NM_001347830.2); short protein forms G662A, G675A, G687A.
Identifiers: ClinVar variation 3930204 (VCV003930204.1).
Genomic context (GRCh38, chr4:54,277,989, plus strand): 5'-TGTCTGAACTGAAGATAATGACTCACCTGGGGCCACATTTGAACATTGTAAACTTGCTGG[G>C]AGCCTGCACCAAGTCAGGTGGGCTCACTGACCTGGAGTGAGGATTTTCACTGGACACATG-3'
Protein context (NP_006197.1, residues 652-672): GPHLNIVNLL[Gly662Ala]ACTKSGPIYI

ClinVar aggregate classification (germline): Uncertain significance (1 of 4 stars; one submission).

Conditions:
Hereditary cancer-predisposing syndrome. Also called: Tumor predisposition; Hereditary neoplastic syndrome; Hereditary Cancer Syndrome; Neoplastic Syndromes, Hereditary. Identifiers: Orphanet 140162, MedGen C0027672, MeSH D009386, MONDO:0015356.

Submission:

Ambry Genetics
Classification: Uncertain significance for Hereditary cancer-predisposing syndrome. Last evaluated: 2025-04-18. Review status: criteria provided, single submitter. Criteria: Ambry Variant Classification Scheme 2023. Collection method: clinical testing. Allele origin: germline.
Comment: The p.G662A variant (also known as c.1985G>C), located in coding exon 13 of the PDGFRA gene, results from a G to C substitution at nucleotide position 1985. The glycine at codon 662 is replaced by alanine, an amino acid with similar properties. This amino acid position is conserved. In addition, this alteration is predicted to be deleterious by in silico analysis. Based on the available evidence, the clinical significance of this variant remains unclear.